The following is an entry in ClinVar:

ClinVar aggregate classification (germline): Uncertain significance (1 of 4 stars; one submission).

Conditions:
Glutamate formiminotransferase deficiency. Also called: Formiminoglutamic aciduria; Arakawa syndrome 1. Identifiers: Orphanet 51208, MedGen C0268609, MONDO:0009240, OMIM 229100.

Allele frequency attached by ClinVar (database versions not stated): gnomAD 0.00001; gnomAD exomes 0.00001; ExAC 0.00018.
gnomAD v4.1: 9 of 1,557,040 alleles (0.00058%); highest among the groups gnomAD compares: Admixed American, 0.0094%; no homozygotes.

Submission:

Labcorp Genetics (formerly Invitae), Labcorp
Classification: Uncertain significance for Glutamate formiminotransferase deficiency. Last evaluated: 2025-06-12. Review status: criteria provided, single submitter. Criteria: Invitae Variant Classification Sherloc (09022015). Collection method: clinical testing. Allele origin: germline.
Comment: This sequence change replaces aspartic acid, which is acidic and polar, with asparagine, which is neutral and polar, at codon 412 of the FTCD protein (p.Asp412Asn). The frequency data for this variant in the population databases is considered unreliable, as metrics indicate poor data quality at this position in the gnomAD database. This variant has not been reported in the literature in individuals affected with FTCD-related conditions. ClinVar contains an entry for this variant (Variation ID: 3013863). Invitae Evidence Modeling of protein sequence and biophysical properties (such as structural, functional, and spatial information, amino acid conservation, physicochemical variation, residue mobility, and thermodynamic stability) indicates that this missense variant is expected to disrupt FTCD protein function with a positive predictive value of 80%. In summary, the available evidence is currently insufficient to determine the role of this variant in disease. Therefore, it has been classified as a Variant of Uncertain Significance.

NM_206965.2(FTCD):c.1234G>A (p.Asp412Asn)

Gene: FTCD (formimidoyltransferase cyclodeaminase; minus strand). Cytogenetic location: 21q22.3.
Variant type: single nucleotide variant.
Coding change: c.1234G>A on transcript NM_206965.2 (MANE Select); coding-DNA position 1234, G replaced by A.
Protein change: p.Asp412Asn; replaces aspartic acid 412 with asparagine.
Molecular consequence: missense variant.
Genome position (GRCh38, 1-based): chr21:46,145,443, C>T on the plus strand (G>A on the coding strand, the complement: FTCD is on the minus strand). VCF-style: chr21-46145443-C-T. GRCh37 (hg19) VCF-style: chr21-47565357-C-T.
Other names: c.1234G>A, p.Asp412Asn (NM_001320412.2, NM_006657.3); short protein forms D412N.
Identifiers: ClinVar variation 3013863 (VCV003013863.3), dbSNP rs751878966, ClinGen allele CA10073588.
Genomic context (GRCh38, chr21:46,145,443, plus strand): 5'-GGGCCCGGGGAGCCCTGCTGTGGCCGCCACTCACCAGGTAGGCGGTGAAGGCCTCGGCGT[C>T]GGCATCCACCAGCGTGGTTAGCTTGGCCGAAGCCTCGCGGAAGGGCGGGATCAGGCGCCG-3'
Protein context (NP_996848.1, residues 402-422): SAKLTTLVDA[Asp412Asn]AEAFTAYLEA